The following is an entry in ClinVar:

ClinVar aggregate classification (germline): Uncertain significance (1 of 4 stars; one submission).

Conditions:
Familial hypobetalipoproteinemia 1. Also called: APOB-Related Familial Hypobetalipoproteinemia; Hypobetalipoproteinemia, normotriglyceridemic; Acanthocytosis with hypobetalipoproteinemia. Identifiers: MedGen C4551990, MONDO:0014252, OMIM 615558.
Hypercholesterolemia, autosomal dominant, type B (FHCL2). Also called: APOB-Related Familial Hypercholesterolemia, Autosomal Dominant; HYPERCHOLESTEROLEMIA, FAMILIAL, DUE TO LIGAND-DEFECTIVE APOLIPOPROTEIN B; Hyperlipoproteinemia Type IIb; Familial Hypercholesterolemia Type B; APOLIPOPROTEIN B-100, FAMILIAL DEFECTIVE; APOLIPOPROTEIN B-100, FAMILIAL LIGAND-DEFECTIVE. Identifiers: MedGen C1704417, MONDO:0007751, OMIM 144010.

Allele frequency attached by ClinVar (database versions not stated): TOPMed 0.00001.

Submission:

Labcorp Genetics (formerly Invitae), Labcorp
Classification: Uncertain significance for Familial hypobetalipoproteinemia 1; Hypercholesterolemia, autosomal dominant, type B. Last evaluated: 2021-01-14. Review status: criteria provided, single submitter. Criteria: Invitae Variant Classification Sherloc (09022015). Collection method: clinical testing. Allele origin: germline.
Comment: In summary, the available evidence is currently insufficient to determine the role of this variant in disease. Therefore, it has been classified as a Variant of Uncertain Significance. Algorithms developed to predict the effect of missense changes on protein structure and function (SIFT, PolyPhen-2, Align-GVGD) all suggest that this variant is likely to be tolerated, but these predictions have not been confirmed by published functional studies and their clinical significance is uncertain. This variant has not been reported in the literature in individuals with APOB-related conditions. This variant is not present in population databases (ExAC no frequency). This sequence change replaces serine with threonine at codon 1425 of the APOB protein (p.Ser1425Thr). The serine residue is moderately conserved and there is a small physicochemical difference between serine and threonine.

NM_000384.3(APOB):c.4273T>A (p.Ser1425Thr)

Gene: APOB (apolipoprotein B; minus strand). Cytogenetic location: 2p24.1.
Variant type: single nucleotide variant.
Coding change: c.4273T>A on transcript NM_000384.3 (MANE Select); coding-DNA position 4273, T replaced by A.
Protein change: p.Ser1425Thr; replaces serine 1425 with threonine.
Molecular consequence: missense variant.
Genome position (GRCh38, 1-based): chr2:21,012,595, A>T on the plus strand (T>A on the coding strand, the complement: APOB is on the minus strand). VCF-style: chr2-21012595-A-T. GRCh37 (hg19) VCF-style: chr2-21235467-A-T.
Other names: short protein forms S1425T.
Identifiers: ClinVar variation 1356933 (VCV001356933.8), dbSNP rs1663356539, ClinGen allele CA346007247.